The following is an entry in ClinVar:

NM_015346.4(ZFYVE26):c.1126C>T (p.His376Tyr)

Gene: ZFYVE26 (zinc finger FYVE-type containing 26; minus strand). Cytogenetic location: 14q24.1.
Variant type: single nucleotide variant.
Coding change: c.1126C>T on transcript NM_015346.4 (MANE Select); coding-DNA position 1126, C replaced by T.
Protein change: p.His376Tyr; replaces histidine 376 with tyrosine.
Molecular consequence: missense variant.
Genome position (GRCh38, 1-based): chr14:67,805,510, G>A on the plus strand (C>T on the coding strand, the complement: ZFYVE26 is on the minus strand). VCF-style: chr14-67805510-G-A. GRCh37 (hg19) VCF-style: chr14-68272227-G-A.
Other names: short protein forms H376Y.
Identifiers: ClinVar variation 2059328 (VCV002059328.4), dbSNP rs752136441, ClinGen allele CA7240609.

ClinVar aggregate classification (germline): Uncertain significance. Review status: criteria provided, multiple submitters, no conflicts (2 of 4 stars). 2 submissions from 2 submitters: Uncertain significance (2). Last evaluated 2025-11-23.

Conditions:
Spastic paraplegia. Identifiers: MedGen C0037772, HP:0001258.

Allele frequency attached by ClinVar (database versions not stated): ExAC 0.00005; TOPMed 0.00006; gnomAD 0.00009; gnomAD exomes 0.00013.

Submissions (2):

Labcorp Genetics (formerly Invitae), Labcorp
Classification: Uncertain significance for Spastic paraplegia. Last evaluated: 2025-11-23. Review status: criteria provided, single submitter. Criteria: Invitae Variant Classification Sherloc (09022015). Collection method: clinical testing. Allele origin: germline.
Comment: This sequence change replaces histidine, which is basic and polar, with tyrosine, which is neutral and polar, at codon 376 of the ZFYVE26 protein (p.His376Tyr). This variant is present in population databases (rs752136441, gnomAD 0.01%). This variant has not been reported in the literature in individuals affected with ZFYVE26-related conditions. ClinVar contains an entry for this variant (Variation ID: 2059328). An algorithm developed to predict the effect of missense changes on protein structure and function (PolyPhen-2) suggests that this variant is likely to be disruptive. In summary, the available evidence is currently insufficient to determine the role of this variant in disease. Therefore, it has been classified as a Variant of Uncertain Significance.

Breakthrough Genomics
Classification: Uncertain significance. Review status: criteria provided, single submitter. Criteria: ACMG Guidelines, 2015. Collection method: not provided. Allele origin: germline. Inheritance: Autosomal recessive inheritance. Affected: yes.